The following is an entry in ClinVar:

NM_020745.4(AARS2):c.2525G>A (p.Arg842Gln)

Gene: AARS2 (alanyl-tRNA synthetase 2, mitochondrial; minus strand). Cytogenetic location: 6p21.1.
Variant type: single nucleotide variant.
Coding change: c.2525G>A on transcript NM_020745.4 (MANE Select); coding-DNA position 2525, G replaced by A.
Protein change: p.Arg842Gln; replaces arginine 842 with glutamine.
Molecular consequence: missense variant.
Genome position (GRCh38, 1-based): chr6:44,302,133, C>T on the plus strand (G>A on the coding strand, the complement: AARS2 is on the minus strand). VCF-style: chr6-44302133-C-T. GRCh37 (hg19) VCF-style: chr6-44269870-C-T.
Other names: short protein forms R842Q.
Identifiers: ClinVar variation 1398055 (VCV001398055.4), dbSNP rs199677657, ClinGen allele CA3833939.
Genomic context (GRCh38, chr6:44,302,133, plus strand): 5'-AGCTTACGGATGGCAGTGTTGGCACGCCGCTGCAGCATCTTCACTGTGGCCAGCAGCTCC[C>T]GCCGCTGCCACTGGGGCATCACAGCAGTTTCCACAGCCTATGGCCAGAAGCAGTACATCA-3'
Protein context (NP_065796.2, residues 832-852): ETAVMPQWQR[Arg842Gln]ELLATVKMLQ

ClinVar aggregate classification (germline): Uncertain significance (1 of 4 stars; one submission).

Allele frequency attached by ClinVar (database versions not stated): gnomAD 0.00001; ExAC 0.00002; gnomAD exomes 0.00002 and 0.00003; TOPMed 0.00002.
gnomAD v4.1: 47 of 1,613,734 alleles (0.0029%); highest among the groups gnomAD compares: East Asian, 0.0045%; no homozygotes.

Submission:

Labcorp Genetics (formerly Invitae), Labcorp
Classification: Uncertain significance. Last evaluated: 2021-12-03. Review status: criteria provided, single submitter. Criteria: Invitae Variant Classification Sherloc (09022015). Collection method: clinical testing. Allele origin: germline.
Comment: This sequence change replaces arginine, which is basic and polar, with glutamine, which is neutral and polar, at codon 842 of the AARS2 protein (p.Arg842Gln). This variant is present in population databases (rs199677657, gnomAD 0.006%). This missense change has been observed in individual(s) with cerebellar ataxia (PMID: 31692161). Advanced modeling of protein sequence and biophysical properties (such as structural, functional, and spatial information, amino acid conservation, physicochemical variation, residue mobility, and thermodynamic stability) performed at Invitae indicates that this missense variant is not expected to disrupt AARS2 protein function. In summary, the available evidence is currently insufficient to determine the role of this variant in disease. Therefore, it has been classified as a Variant of Uncertain Significance.

Literature cited by the submitters: PubMed 31692161.